The following is an entry in ClinVar:

NM_001368809.2(AMPD2):c.-38G>A

Gene: AMPD2 (adenosine monophosphate deaminase 2; plus strand). Cytogenetic location: 1p13.3.
Variant type: single nucleotide variant.
Coding change: c.-38G>A on transcript NM_001368809.2 (MANE Select); 38 bases upstream of the start codon, G replaced by A.
Molecular consequence: 5 prime UTR variant. On other transcripts: missense variant (1), intron variant (1).
Genome position (GRCh38, 1-based): chr1:109,621,138, G>A. VCF-style: chr1-109621138-G-A. GRCh37 (hg19) VCF-style: chr1-110163760-G-A.
Other names: c.31G>A, p.Ala11Thr (NM_001308170.1); c.10+860G>A (NM_139156.4); short protein forms A11T.
Identifiers: ClinVar variation 1387814 (VCV001387814.6), dbSNP rs1650212785, ClinGen allele CA341548192.
Genomic context (GRCh38, chr1:109,621,138, plus strand): 5'-CGCTGGGGGCGGGGCGGAGGAAGGGGTTGGATGTGGCAGAGCCAGGCCCCAGCCGGTGCC[G>A]CTCAGACTCCCCCGCTGTCGCCGCCGTGGTCCCAGCCATGGCATCCTATCCATCTGGCTC-3'

ClinVar aggregate classification (germline): Uncertain significance (1 of 4 stars; one submission).

Conditions:
Pontocerebellar hypoplasia type 9. Identifiers: OMIM 615809, Orphanet 369920, MedGen C4014354, MONDO:0014351.
Hereditary spastic paraplegia 63. Also called: Spastic paraplegia 63, autosomal recessive. Identifiers: Orphanet 401805, MedGen C3810295, MONDO:0014305, OMIM 615686.

Allele frequency attached by ClinVar (database versions not stated): TOPMed below 0.00001; gnomAD 0.00001.
gnomAD v4.1: 2 of 1,597,464 alleles (0.00013%); highest among the groups gnomAD compares: Non-Finnish European, 0.000085%; no homozygotes.

Submission:

Labcorp Genetics (formerly Invitae), Labcorp
Classification: Uncertain significance for Pontocerebellar hypoplasia type 9; Hereditary spastic paraplegia 63. Last evaluated: 2021-09-15. Review status: criteria provided, single submitter. Criteria: Invitae Variant Classification Sherloc (09022015). Collection method: clinical testing. Allele origin: germline.
Comment: Algorithms developed to predict the effect of missense changes on protein structure and function (SIFT, PolyPhen-2, Align-GVGD) all suggest that this variant is likely to be tolerated. This variant has not been reported in the literature in individuals affected with AMPD2-related conditions. This variant is not present in population databases (ExAC no frequency). This sequence change replaces arginine with histidine at codon 42 of the AMPD2 protein (p.Arg42His). The arginine residue is weakly conserved and there is a small physicochemical difference between arginine and histidine. In summary, the available evidence is currently insufficient to determine the role of this variant in disease. Therefore, it has been classified as a Variant of Uncertain Significance.